The following is an entry in ClinVar:

NM_000090.4(COL3A1):c.3809C>G (p.Pro1270Arg)

Gene: COL3A1 (collagen type III alpha 1 chain; plus strand). Cytogenetic location: 2q32.2.
Variant type: single nucleotide variant.
Coding change: c.3809C>G on transcript NM_000090.4 (MANE Select); coding-DNA position 3809, C replaced by G.
Protein change: p.Pro1270Arg; replaces proline 1270 with arginine.
Molecular consequence: missense variant.
Genome position (GRCh38, 1-based): chr2:189,009,207, C>G. VCF-style: chr2-189009207-C-G. GRCh37 (hg19) VCF-style: chr2-189873933-C-G.
Other names: short protein forms P1270R.
Identifiers: ClinVar variation 809120 (VCV000809120.31), dbSNP rs778419091, ClinGen allele CA076293.

ClinVar aggregate classification (germline): Conflicting classifications of pathogenicity. Review status: criteria provided, conflicting classifications (1 of 4 stars). 6 submissions from 6 submitters: Uncertain significance (5); Likely benign (1). Last evaluated 2026-04-17.

Conditions:
Ehlers-Danlos syndrome, type 4 (EDSVASC). Also called: Ehlers-Danlos Syndrome Type IV; Ehlers-Danlos syndrome vascular type; Ehlers Danlos syndrome, ecchymotic type; Ehlers Danlos syndrome, arterial type; Ehlers Danlos syndrome, Sack-Barabas type. Identifiers: Orphanet 286, MedGen C0268338, MONDO:0017314, OMIM 130050.
Familial thoracic aortic aneurysm and aortic dissection (TAAD). Also called: Thoracic aortic aneurysms and dissections. Identifiers: Orphanet 91387, MedGen C4707243, MONDO:0019625.

Allele frequency attached by ClinVar (database versions not stated): ExAC 0.00001; TOPMed 0.00001; gnomAD 0.00002 and 0.00003; gnomAD exomes 0.00002.
gnomAD v4.1: 18 of 1,613,986 alleles (0.0011%); highest among the groups gnomAD compares: Non-Finnish European, 0.0015%; no homozygotes.

Submissions (6):

Ambry Genetics
Classification: Likely benign for Familial thoracic aortic aneurysm and aortic dissection. Last evaluated: 2026-04-17. Review status: criteria provided, single submitter. Criteria: Ambry Variant Classification Scheme 2023. Collection method: clinical testing. Allele origin: germline.

Color Diagnostics, LLC DBA Color Health
Classification: Uncertain significance for Familial thoracic aortic aneurysm and aortic dissection. Last evaluated: 2025-11-24. Review status: criteria provided, single submitter. Criteria: ACMG Guidelines, 2015. Collection method: clinical testing. Allele origin: germline.
Comment: This missense variant replaces proline with arginine at codon 1270 of the COL3A1 protein. Computational prediction is inconclusive regarding the impact of this variant on protein structure and function. To our knowledge, functional studies have not been reported for this variant. This variant has not been reported in individuals affected with COL3A1-related disorders in the literature. This variant has been identified in 7/281578 chromosomes in the general population by the Genome Aggregation Database (gnomAD). The available evidence is insufficient to determine the role of this variant in disease conclusively. Therefore, this variant is classified as a Variant of Uncertain Significance.

Labcorp Genetics (formerly Invitae), Labcorp
Classification: Uncertain significance for Ehlers-Danlos syndrome, type 4. Last evaluated: 2024-12-04. Review status: criteria provided, single submitter. Criteria: Invitae Variant Classification Sherloc (09022015). Collection method: clinical testing. Allele origin: germline.
Comment: This sequence change replaces proline, which is neutral and non-polar, with arginine, which is basic and polar, at codon 1270 of the COL3A1 protein (p.Pro1270Arg). This variant is present in population databases (rs778419091, gnomAD 0.005%). This variant has not been reported in the literature in individuals affected with COL3A1-related conditions. ClinVar contains an entry for this variant (Variation ID: 809120). Invitae Evidence Modeling of protein sequence and biophysical properties (such as structural, functional, and spatial information, amino acid conservation, physicochemical variation, residue mobility, and thermodynamic stability) indicates that this missense variant is not expected to disrupt COL3A1 protein function with a negative predictive value of 95%. In summary, the available evidence is currently insufficient to determine the role of this variant in disease. Therefore, it has been classified as a Variant of Uncertain Significance.

All of Us Research Program, National Institutes of Health
Classification: Uncertain significance for Ehlers-Danlos syndrome, type 4. Last evaluated: 2024-02-05. Review status: criteria provided, single submitter. Criteria: ACMG Guidelines, 2015. Collection method: clinical testing. Allele origin: germline. Inheritance: Autosomal dominant inheritance. Observed: 9 variant alleles, 9 heterozygotes.
Comment: This missense variant replaces proline with arginine at codon 1270 of the COL3A1 protein. Computational prediction is inconclusive regarding the impact of this variant on protein structure and function (internally defined REVEL score threshold 0.5 < inconclusive < 0.7, PMID: 27666373). Splice site prediction tools suggest that this variant may not impact RNA splicing. To our knowledge, functional studies have not been performed for this variant. This variant has not been reported in individuals affected with cardiovascular disorders in the literature. This variant has been identified in 7/281578 chromosomes in the general population by the Genome Aggregation Database (gnomAD). The available evidence is insufficient to determine the role of this variant in disease conclusively. Therefore, this variant is classified as a Variant of Uncertain Significance.

This study involves interpretation of variants in research participants for the purpose of population health screening. Participant phenotype was not available at the time of variant classification. Additional details can be found in publication PMID: 35346344, PMCID: PMC8962531

GeneDx
Classification: Uncertain significance. Last evaluated: 2020-10-19. Review status: criteria provided, single submitter. Criteria: GeneDx Variant Classification Process June 2021. Collection method: clinical testing. Allele origin: germline. Affected: yes.
Comment: Has not been previously published as pathogenic or benign to our knowledge; Reported in ClinVar as a variant of uncertain significance (ClinVar Variant ID# 809120; Landrum et al., 2016); In silico analysis, which includes protein predictors and evolutionary conservation, supports a deleterious effect; Not located in the triple helical region, where the majority of pathogenic missense variants occur (Stenson et al., 2014)

Illumina Laboratory Services, Illumina
Classification: Uncertain significance for Ehlers-Danlos syndrome, type 4. Last evaluated: 2018-01-13. Review status: criteria provided, single submitter. Criteria: ICSL Variant Classification Criteria 13 December 2019. Collection method: clinical testing. Allele origin: germline.